The following is an entry in ClinVar:

ClinVar aggregate classification (germline): Uncertain significance (1 of 4 stars; one submission).

Conditions:
Primary ciliary dyskinesia. Also called: Ciliary dyskinesia. Identifiers: Orphanet 244, MedGen C0008780, MONDO:0016575, HP:0012265.

Allele frequency attached by ClinVar (database versions not stated): gnomAD 0.00001 and 0.00002; gnomAD exomes 0.00001 and 0.00002; TOPMed 0.00001; ExAC 0.00002.
gnomAD v4.1: 17 of 1,614,078 alleles (0.0011%); highest among the groups gnomAD compares: Middle Eastern, 0.016%; no homozygotes.

Submission:

Labcorp Genetics (formerly Invitae), Labcorp
Classification: Uncertain significance for Primary ciliary dyskinesia. Last evaluated: 2022-06-20. Review status: criteria provided, single submitter. Criteria: Invitae Variant Classification Sherloc (09022015). Collection method: clinical testing. Allele origin: germline.
Comment: In summary, the available evidence is currently insufficient to determine the role of this variant in disease. Therefore, it has been classified as a Variant of Uncertain Significance. Algorithms developed to predict the effect of missense changes on protein structure and function are either unavailable or do not agree on the potential impact of this missense change (SIFT: "Deleterious"; PolyPhen-2: "Probably Damaging"; Align-GVGD: "Class C0"). This variant has not been reported in the literature in individuals affected with CCDC40-related conditions. This variant is present in population databases (rs756183009, gnomAD 0.006%). This sequence change replaces lysine, which is basic and polar, with glutamic acid, which is acidic and polar, at codon 912 of the CCDC40 protein (p.Lys912Glu).

NM_017950.4(CCDC40):c.2734A>G (p.Lys912Glu)

Gene: CCDC40 (coiled-coil domain 40 molecular ruler complex subunit; plus strand). Cytogenetic location: 17q25.3.
Variant type: single nucleotide variant.
Coding change: c.2734A>G on transcript NM_017950.4 (MANE Select); coding-DNA position 2734, A replaced by G.
Protein change: p.Lys912Glu; replaces lysine 912 with glutamic acid.
Molecular consequence: missense variant.
Genome position (GRCh38, 1-based): chr17:80,089,786, A>G. VCF-style: chr17-80089786-A-G. GRCh37 (hg19) VCF-style: chr17-78063585-A-G.
Other names: c.2734A>G, p.Lys912Glu (NM_001243342.2); short protein forms K912E.
Identifiers: ClinVar variation 1512968 (VCV001512968.8), dbSNP rs756183009, ClinGen allele CA8814329.
Genomic context (GRCh38, chr17:80,089,786, plus strand): 5'-ACTCCTAATTTCTTACACTGCCTCTCCTACCTCTAAAGACACCAGATTATGCTTTGGGAG[A>G]AAAAAATCCAACTGGCAAAAGAGATGCGTTCCTCAGTGGATTCCGAGATCGGCCAGACGG-3'
Protein context (NP_060420.2, residues 902-922): EAEHQIMLWE[Lys912Glu]KIQLAKEMRS